The following is an entry in ClinVar:

ClinVar aggregate classification (germline): Uncertain significance (1 of 4 stars; one submission).

Conditions:
Hereditary cancer-predisposing syndrome. Also called: Neoplastic Syndromes, Hereditary; Tumor predisposition; Hereditary Cancer Syndrome; Hereditary neoplastic syndrome. Identifiers: Orphanet 140162, MedGen C0027672, MeSH D009386, MONDO:0015356.

Submission:

Ambry Genetics
Classification: Uncertain significance for Hereditary cancer-predisposing syndrome. Last evaluated: 2025-10-06. Review status: criteria provided, single submitter. Criteria: Ambry Variant Classification Scheme 2023. Collection method: clinical testing. Allele origin: germline.
Comment: The p.S565P variant (also known as c.1693T>C), located in coding exon 9 of the ALK gene, results from a T to C substitution at nucleotide position 1693. The serine at codon 565 is replaced by proline, an amino acid with similar properties. This amino acid position is conserved. In addition, the in silico prediction for this alteration is inconclusive. Based on the available evidence, the clinical significance of this variant remains unclear.

NM_004304.5(ALK):c.1693T>C (p.Ser565Pro)

Gene: ALK (ALK receptor tyrosine kinase; minus strand). Cytogenetic location: 2p23.2.
Variant type: single nucleotide variant.
Coding change: c.1693T>C on transcript NM_004304.5 (MANE Select); coding-DNA position 1693, T replaced by C.
Protein change: p.Ser565Pro; replaces serine 565 with proline.
Molecular consequence: missense variant.
Genome position (GRCh38, 1-based): chr2:29,297,012, A>G on the plus strand (T>C on the coding strand, the complement: ALK is on the minus strand). VCF-style: chr2-29297012-A-G. GRCh37 (hg19) VCF-style: chr2-29519878-A-G.
Other names: short protein forms S565P.
Identifiers: ClinVar variation 4674023 (VCV004674023.1).